The following is an entry in ClinVar:

ClinVar aggregate classification (germline): Uncertain significance (1 of 4 stars; one submission).

Allele frequency attached by ClinVar (database versions not stated): gnomAD 0.00001.

Submission:

Labcorp Genetics (formerly Invitae), Labcorp
Classification: Uncertain significance. Last evaluated: 2023-10-13. Review status: criteria provided, single submitter. Criteria: Invitae Variant Classification Sherloc (09022015). Collection method: clinical testing. Allele origin: germline.
Comment: This sequence change replaces alanine, which is neutral and non-polar, with threonine, which is neutral and polar, at codon 1107 of the MCM3AP protein (p.Ala1107Thr). This variant is present in population databases (no rsID available, gnomAD 0.06%). This variant has not been reported in the literature in individuals affected with MCM3AP-related conditions. ClinVar contains an entry for this variant (Variation ID: 1504868). Algorithms developed to predict the effect of missense changes on protein structure and function output the following: SIFT: "Not Available"; PolyPhen-2: "Benign"; Align-GVGD: "Not Available". The threonine amino acid residue is found in multiple mammalian species, which suggests that this missense change does not adversely affect protein function. In summary, the available evidence is currently insufficient to determine the role of this variant in disease. Therefore, it has been classified as a Variant of Uncertain Significance.

NM_003906.5(MCM3AP):c.3319G>A (p.Ala1107Thr)

Gene: MCM3AP (minichromosome maintenance complex component 3 associated protein; minus strand). Cytogenetic location: 21q22.3.
Variant type: single nucleotide variant.
Coding change: c.3319G>A on transcript NM_003906.5 (MANE Select); coding-DNA position 3319, G replaced by A.
Protein change: p.Ala1107Thr; replaces alanine 1107 with threonine.
Molecular consequence: missense variant.
Genome position (GRCh38, 1-based): chr21:46,264,133, C>T on the plus strand (G>A on the coding strand, the complement: MCM3AP is on the minus strand). VCF-style: chr21-46264133-C-T. GRCh37 (hg19) VCF-style: chr21-47684047-C-T.
Other names: short protein forms A1107T.
Identifiers: ClinVar variation 1504868 (VCV001504868.4), dbSNP rs1216267153, ClinGen allele CA410558399.